The following is an entry in ClinVar:

NM_007294.4(BRCA1):c.2584A>G (p.Lys862Glu)

Gene: BRCA1 (BRCA1 DNA repair associated; minus strand). Cytogenetic location: 17q21.31.
Variant type: single nucleotide variant.
Coding change: c.2584A>G on transcript NM_007294.4 (MANE Select); coding-DNA position 2584, A replaced by G.
Protein change: p.Lys862Glu; replaces lysine 862 with glutamic acid.
Molecular consequence: missense variant. On other transcripts: intron variant (137).
Genome position (GRCh38, 1-based): chr17:43,092,947, T>C on the plus strand (A>G on the coding strand, the complement: BRCA1 is on the minus strand). VCF-style: chr17-43092947-T-C. GRCh37 (hg19) VCF-style: chr17-41244964-T-C.
Other names: p.K862E:AAG>GAG; 2703A>G; c.784+1797A>G (NM_001408400.1, NM_001408392.1, NM_001407986.1 and 13 more transcripts); c.664+1797A>G (NM_001408441.1, NM_001408437.1, NM_001408429.1 and 12 more transcripts); c.787+1797A>G (NM_001407979.1, NM_001407977.1, NM_001407982.1 and 17 more transcripts); c.646+1797A>G (NM_001408410.1, NM_001408458.1, NM_001408469.1 and 11 more transcripts); c.709+1797A>G (NM_001408415.1, NM_001408412.1, NM_001408409.1 and 2 more transcripts); c.577+1797A>G (NM_001408483.1, NM_001408481.1, NM_001408480.1 and 9 more transcripts); and 44 more; short protein forms K862E, K815E, K773E, K792E, K794E, K566E, K735E, K795E.
Identifiers: ClinVar variation 37476 (VCV000037476.42), dbSNP rs80356927, ClinGen allele CA001699.

ClinVar aggregate classification (germline): Benign. Review status: reviewed by expert panel (3 of 4 stars). 20 submissions from 20 submitters: Benign (1). 19 of the submissions do not count toward it. Last evaluated 2015-08-10.

Conditions:
BRCA1-related disorder. Also called: BRCA1-related condition.
Breast and/or ovarian cancer. Identifiers: MedGen CN221562.
Hereditary cancer-predisposing syndrome. Also called: Tumor predisposition; Neoplastic Syndromes, Hereditary; Hereditary Cancer Syndrome; Hereditary neoplastic syndrome. Identifiers: Orphanet 140162, MedGen C0027672, MeSH D009386, MONDO:0015356.
Hereditary breast ovarian cancer syndrome. Also called: Hereditary breast and ovarian cancer syndrome (HBOC); Hereditary breast and ovarian cancer syndrome; Hereditary breast and ovarian cancer; Hereditary breast and/or ovarian cancer syndrome; Breast and ovarian cancer; BRCA1- and BRCA2-Associated Hereditary Breast and Ovarian Cancer. Identifiers: Orphanet 145, MedGen C0677776, MeSH D061325, MONDO:0003582. Disease mechanism: loss of function.
Breast-ovarian cancer, familial, susceptibility to, 1 (BROVCA1). Also called: OVARIAN CANCER, SUSCEPTIBILITY TO; BRCA1 Hereditary Breast and Ovarian Cancer. Identifiers: Orphanet 145, MedGen C2676676, MONDO:0011450, OMIM 604370. Disease mechanism: loss of function.
Malignant tumor of breast. Also called: Malignant breast neoplasm; Cancer breast. Identifiers: MedGen C0006142, MONDO:0007254. Disease mechanism: loss of function.

Allele frequency attached by ClinVar (database versions not stated): gnomAD 0.00001; TOPMed 0.00002; gnomAD exomes 0.00004 and 0.00006; ExAC 0.00010.

Submissions 1 to 14 of 20:

Evidence-based Network for the Interpretation of Germline Mutant Alleles (ENIGMA)
Classification: Benign for Breast-ovarian cancer, familial 1. Last evaluated: 2015-08-10. Review status: reviewed by expert panel. Criteria: ENIGMA BRCA1/2 Classification Criteria (2015). Collection method: curation. Allele origin: germline.
Comment: IARC class based on posterior probability from multifactorial likelihood analysis, thresholds for class as per Plon et al. 2008 (PMID: 18951446). Class 1 based on posterior probability = 0.00000991

Labcorp Genetics (formerly Invitae), Labcorp
Classification: Benign for Hereditary breast ovarian cancer syndrome. Last evaluated: 2026-01-25. Review status: criteria provided, single submitter. Criteria: Invitae Variant Classification Sherloc (09022015). Collection method: clinical testing. Allele origin: germline. Not counted in ClinVar's aggregate classification.

Center for Genomic Medicine, Rigshospitalet, Copenhagen University Hospital
Classification: Benign. Last evaluated: 2025-03-04. Review status: criteria provided, single submitter. Criteria: ACMG Guidelines, 2015. Collection method: clinical testing. Allele origin: germline. Not counted in ClinVar's aggregate classification.

Quest Diagnostics Nichols Institute San Juan Capistrano
Classification: Likely benign. Last evaluated: 2025-01-02. Review status: criteria provided, single submitter. Criteria: Quest Diagnostics criteria. Collection method: clinical testing. Allele origin: unknown. Not counted in ClinVar's aggregate classification.

Blueprint Genetics
Classification: Likely benign. Last evaluated: 2024-10-07. Review status: criteria provided, single submitter. Criteria: ACMG Guidelines, 2015. Collection method: clinical testing. Allele origin: germline. Not counted in ClinVar's aggregate classification.

KCCC/NGS Laboratory, Kuwait Cancer Control Center
Classification: Benign for Breast-ovarian cancer, familial, susceptibility to, 1. Last evaluated: 2023-07-07. Review status: criteria provided, single submitter. Criteria: ACMG Guidelines, 2015. Collection method: clinical testing. Allele origin: germline. Affected: yes. Not counted in ClinVar's aggregate classification.

ARUP Laboratories, Molecular Genetics and Genomics, ARUP Laboratories
Classification: Uncertain significance. Last evaluated: 2021-11-09. Review status: criteria provided, single submitter. Criteria: ARUP Molecular Germline Variant Investigation Process 2021. Collection method: clinical testing. Allele origin: germline. Not counted in ClinVar's aggregate classification.
Comment: The BRCA1 c.2584A>G; p.Lys862Glu variant (rs80356927) is reported in the literature in individuals affected with breast and/or ovarian cancer, although it was no demonstrated to be disease-causing (Peyrat 1998). This variant is reported as benign or likely benign by multiple laboratories in ClinVar (Variation ID: 37476), and it is found in the general population with an overall allele frequency of 0.01% (16/282472 alleles) in the Genome Aggregation Database. The lysine at codon 862 is moderately conserved, and computational analyses predict that this variant is deleterious (REVEL: 0.808). However, multifactorial likelihood analysis considering family history of disease, co-occurrence with pathogenic variants, and co-segregation with disease suggest this variant has very low odds of causing disease (Easton 2007, Lindor 2012). However, given the lack of clinical and functional data, the significance of the p.Lys862Glu variant is uncertain at this time. References: Easton DF et al. A systematic genetic assessment of 1,433 sequence variants of unknown clinical significance in the BRCA1 and BRCA2 breast cancer-predisposition genes. Am J Hum Genet. 2007 Nov;81(5):873-83. PMID: 17924331. Lindor NM et al. A review of a multifactorial probability-based model for classification of BRCA1 and BRCA2 variants of uncertain significance (VUS). Hum Mutat. 2012 Jan;33(1):8-21. PMID: 21990134 Peyrat JP et al. Germline BRCA1 mutations in patients from 84 families with breast and/or ovarian cancers in northern France. Eur J Cancer Prev. 1998 Feb;7 Suppl 1:S7-12. PMID: 10866029.

Sema4
Classification: Likely benign for Hereditary cancer-predisposing syndrome. Last evaluated: 2021-06-22. Review status: criteria provided, single submitter. Criteria: Sema4 Curation Guidelines. Collection method: curation. Allele origin: germline. Not counted in ClinVar's aggregate classification.

CHEO Genetics Diagnostic Laboratory, Children's Hospital of Eastern Ontario
Classification: Likely benign for Breast and/or ovarian cancer. Last evaluated: 2021-04-09. Review status: criteria provided, single submitter. Criteria: ACMG Guidelines, 2015. Collection method: clinical testing. Allele origin: germline. Not counted in ClinVar's aggregate classification.

Women's Health and Genetics/Laboratory Corporation of America, LabCorp
Classification: Benign. Last evaluated: 2019-09-26. Review status: criteria provided, single submitter. Criteria: LabCorp Variant Classification Summary - May 2015. Collection method: clinical testing. Allele origin: germline. Not counted in ClinVar's aggregate classification.
Comment: Variant summary: BRCA1 c.2584A>G (p.Lys862Glu) results in a conservative amino acid change in the encoded protein sequence. Three of five in-silico tools predict a benign effect of the variant on protein function. The variant allele was found at a frequency of 6e-05 in 251066 control chromosomes (gnomAD). This frequency is not higher than expected for a pathogenic variant in BRCA1 causing Hereditary Breast and Ovarian Cancer (6e-05 vs 0.001), allowing no conclusion about variant significance. c.2584A>G has been reported in the literature in individuals affected with Hereditary Breast and Ovarian Cancer, however these reports do not provide evidence for pathogenicity (Judkins_2005, Wong-Brown_2015, Anczukow_2008, Kurian_2008, Minucci_2015, Peyrat_1998, Li_2018, Kraemer_2019). In addition, multifactorial probability models, performing systematic assessments of variants of unknown significance in the BRCA genes, which included analysis of co-occurrence in trans with known deleterious mutations, personal and family history of cancer, tumor pathology and co-segregation with disease in pedigrees, predicted this variant to be neutral (Easton 2007 and Lindor 2012). To our knowledge, no experimental evidence demonstrating an impact on protein function has been reported. Six other submitters, including one expert panel (ENIGMA), have provided clinical-significance assessments for this variant in ClinVar after 2014 without evidence for independent evaluation. All laboratories classified the variant as likely benign while the expert panel has classified the variant as benign. Based on the evidence outlined above, the variant was classified as benign.

GeneDx
Classification: Likely benign. Last evaluated: 2019-06-27. Review status: criteria provided, single submitter. Criteria: GeneDx Variant Classification Process June 2021. Collection method: clinical testing. Allele origin: germline. Affected: yes. Not counted in ClinVar's aggregate classification.
Comment: This variant is associated with the following publications: (PMID: 21990134, 16518693, 22753008, 17924331, 26306726, 16267036, 23893897, 18273839, 25682074, 18951461, 18779604, 15385441, 25348012, 29453630)

Genetic Services Laboratory, University of Chicago
Classification: Likely benign. Last evaluated: 2017-04-13. Review status: criteria provided, single submitter. Criteria: ACMG Guidelines, 2015. Collection method: clinical testing. Allele origin: germline. Affected: no. Not counted in ClinVar's aggregate classification.

Color Diagnostics, LLC DBA Color Health
Classification: Likely benign for Hereditary cancer-predisposing syndrome. Last evaluated: 2015-11-25. Review status: criteria provided, single submitter. Criteria: ACMG Guidelines, 2015. Collection method: clinical testing. Allele origin: germline. Not counted in ClinVar's aggregate classification.

Ambry Genetics
Classification: Benign for Hereditary cancer-predisposing syndrome. Last evaluated: 2014-11-18. Review status: criteria provided, single submitter. Criteria: Ambry Variant Classification Scheme 2023. Collection method: clinical testing. Allele origin: germline. Not counted in ClinVar's aggregate classification.